The following is an entry in ClinVar:

NM_000557.5(GDF5):c.1449C>A (p.Asn483Lys)

Genes: GDF5 (growth differentiation factor 5; minus strand), GDF5-AS1 (GDF5 antisense RNA 1; plus strand). Cytogenetic location: 20q11.22.
Variant type: single nucleotide variant.
Coding change: c.1449C>A on transcript NM_000557.5 (MANE Select); coding-DNA position 1449, C replaced by A.
Protein change: p.Asn483Lys; replaces asparagine 483 with lysine.
Molecular consequence: missense variant. On other transcripts: non-coding transcript variant (1).
Genome position (GRCh38, 1-based): chr20:35,433,966, G>T on the plus strand (C>A on the coding strand, the complement: GDF5 is on the minus strand). VCF-style: chr20-35433966-G-T. GRCh37 (hg19) VCF-style: chr20-34021764-G-T.
Other names: c.1449C>A, p.Asn483Lys (NM_001319138.2); short protein forms N483K.
Identifiers: ClinVar variation 1460790 (VCV001460790.5), dbSNP rs1381738724, ClinGen allele CA408737458.

ClinVar aggregate classification (germline): Uncertain significance (1 of 4 stars; one submission).

Allele frequency attached by ClinVar (database versions not stated): TOPMed 0.00001; gnomAD exomes below 0.00001; gnomAD 0.00001.

Submission:

Labcorp Genetics (formerly Invitae), Labcorp
Classification: Uncertain significance. Last evaluated: 2021-08-31. Review status: criteria provided, single submitter. Criteria: Invitae Variant Classification Sherloc (09022015). Collection method: clinical testing. Allele origin: germline.
Comment: This sequence change replaces asparagine with lysine at codon 483 of the GDF5 protein (p.Asn483Lys). The asparagine residue is highly conserved and there is a moderate physicochemical difference between asparagine and lysine. This variant is not present in population databases (ExAC no frequency). This variant has not been reported in the literature in individuals affected with GDF5-related conditions. Algorithms developed to predict the effect of missense changes on protein structure and function are either unavailable or do not agree on the potential impact of this missense change (SIFT: "Tolerated"; PolyPhen-2: "Possibly Damaging"; Align-GVGD: "Class C0"). In summary, the available evidence is currently insufficient to determine the role of this variant in disease. Therefore, it has been classified as a Variant of Uncertain Significance.